The following is an entry in ClinVar:

NM_006231.4(POLE):c.4155T>G (p.Asn1385Lys)

Gene: POLE (DNA polymerase epsilon, catalytic subunit; minus strand). Cytogenetic location: 12q24.33.
Variant type: single nucleotide variant.
Coding change: c.4155T>G on transcript NM_006231.4 (MANE Select); coding-DNA position 4155, T replaced by G.
Protein change: p.Asn1385Lys; replaces asparagine 1385 with lysine.
Molecular consequence: missense variant.
Genome position (GRCh38, 1-based): chr12:132,643,972, A>C on the plus strand (T>G on the coding strand, the complement: POLE is on the minus strand). VCF-style: chr12-132643972-A-C. GRCh37 (hg19) VCF-style: chr12-133220558-A-C.
Other names: short protein forms N1385K.
Identifiers: ClinVar variation 3656185 (VCV003656185.2).
Genomic context (GRCh38, chr12:132,643,972, plus strand): 5'-GTCCTCTGGCACTGAATACTCATAGAGATTGTAGACCATGTTGGAGCGAGGAAGGACCCG[A>C]TTTACCTGGCGAGAATACGACGATGATCTCGTCACTGGGCGTAAGTGGTAATGTCTGTGG-3'
Protein context (NP_006222.2, residues 1375-1395): AEEGASYRKV[Asn1385Lys]RVLPRSNMVY

ClinVar aggregate classification (germline): Uncertain significance (1 of 4 stars; one submission).

Submission:

Labcorp Genetics (formerly Invitae), Labcorp
Classification: Uncertain significance. Last evaluated: 2024-07-18. Review status: criteria provided, single submitter. Criteria: Invitae Variant Classification Sherloc (09022015). Collection method: clinical testing. Allele origin: germline.
Comment: This sequence change replaces asparagine, which is neutral and polar, with lysine, which is basic and polar, at codon 1385 of the POLE protein (p.Asn1385Lys). This variant is not present in population databases (gnomAD no frequency). This variant has not been reported in the literature in individuals affected with POLE-related conditions. Advanced modeling of protein sequence and biophysical properties (such as structural, functional, and spatial information, amino acid conservation, physicochemical variation, residue mobility, and thermodynamic stability) performed at Invitae indicates that this missense variant is not expected to disrupt POLE protein function with a negative predictive value of 80%. In summary, the available evidence is currently insufficient to determine the role of this variant in disease. Therefore, it has been classified as a Variant of Uncertain Significance.